The following is an entry in ClinVar:

ClinVar aggregate classification (germline): Uncertain significance. Review status: criteria provided, multiple submitters, no conflicts (2 of 4 stars). 2 submissions from 2 submitters: Uncertain significance (2). Last evaluated 2025-02-01.

Allele frequency attached by ClinVar (database versions not stated): TOPMed below 0.00001; gnomAD exomes 0.00002; ExAC 0.00003.
gnomAD v4.1: 28 of 1,606,798 alleles (0.0017%); highest among the groups gnomAD compares: Admixed American, 0.0033%; no homozygotes.

Submissions (2):

CeGaT Center for Human Genetics Tuebingen
Classification: Uncertain significance. Last evaluated: 2025-02-01. Review status: criteria provided, single submitter. Criteria: CeGaT Center For Human Genetics Tuebingen Variant Classification Criteria Version 2. Collection method: clinical testing. Allele origin: germline. Affected: yes. Observed: 1 variant allele.
Comment: POLG2: PM2

Labcorp Genetics (formerly Invitae), Labcorp
Classification: Uncertain significance. Last evaluated: 2024-01-07. Review status: criteria provided, single submitter. Criteria: Invitae Variant Classification Sherloc (09022015). Collection method: clinical testing. Allele origin: germline.
Comment: This sequence change replaces leucine, which is neutral and non-polar, with phenylalanine, which is neutral and non-polar, at codon 260 of the POLG2 protein (p.Leu260Phe). This variant is present in population databases (rs781872075, gnomAD 0.005%). This variant has not been reported in the literature in individuals affected with POLG2-related conditions. ClinVar contains an entry for this variant (Variation ID: 1495695). An algorithm developed to predict the effect of missense changes on protein structure and function (PolyPhen-2) suggests that this variant is likely to be disruptive. In summary, the available evidence is currently insufficient to determine the role of this variant in disease. Therefore, it has been classified as a Variant of Uncertain Significance.

NM_007215.4(POLG2):c.778C>T (p.Leu260Phe)

Genes: MILR1 (mast cell immunoglobulin like receptor 1; plus strand), POLG2 (DNA polymerase gamma 2, accessory subunit; minus strand). Cytogenetic location: 17q23.3.
Variant type: single nucleotide variant.
Coding change: c.778C>T on transcript NM_007215.4 (MANE Select); coding-DNA position 778, C replaced by T.
Protein change: p.Leu260Phe; replaces leucine 260 with phenylalanine.
Molecular consequence: missense variant.
Genome position (GRCh38, 1-based): chr17:64,492,684, G>A on the plus strand (C>T on the coding strand, the complement: POLG2 is on the minus strand). VCF-style: chr17-64492684-G-A. GRCh37 (hg19) VCF-style: chr17-62488801-G-A.
Other names: short protein forms L260F.
Identifiers: ClinVar variation 1495695 (VCV001495695.19), dbSNP rs781872075, ClinGen allele CA8712922.